The following is an entry in ClinVar:

ClinVar aggregate classification (germline): Conflicting classifications of pathogenicity. Review status: criteria provided, conflicting classifications (1 of 4 stars). 4 submissions from 3 submitters: Likely pathogenic (2); Uncertain significance (2). Last evaluated 2025-01-15.

Conditions:
Renal hypodysplasia/aplasia 3 (RHDA3). Identifiers: MedGen C4540497, MONDO:0024520, OMIM 617805.
Renal cortical hyperechogenicity. Identifiers: MedGen C5421632, HP:0033132.
GREB1L-related disorder. Also called: GREB1L-related condition.

Allele frequency attached by ClinVar (database versions not stated): gnomAD 0.00001; TOPMed 0.00002; gnomAD exomes 0.00003.
gnomAD v4.1: 47 of 1,550,792 alleles (0.003%); highest among the groups gnomAD compares: Non-Finnish European, 0.0039%; no homozygotes.

Submissions (4):

PreventionGenetics, part of Exact Sciences
Classification: Uncertain significance for GREB1L-related condition. Last evaluated: 2025-01-15. Review status: criteria provided, single submitter. Criteria: ACMG Guidelines, 2015. Collection method: clinical testing. Allele origin: germline.
Comment: The GREB1L c.2252G>A variant is predicted to result in the amino acid substitution p.Arg751His. This variant has been reported as maternally-inherited in a fetus with unilateral renal agenesis and multicystic kidneys; however, the mother's renal status was uncertain by renal ultrasound and no further evidence was provided to support the pathogenicity of this variant (Family 13, De Tomasi et al. 2017. PubMed ID: 29100091). In the same study, a different missense change impacting the same amino acid (p.Arg751Cys) was also reported in two fetuses with bilateral renal agenesis from the same family; and this variant was inherited from the mother who has unilateral kidney hypoplasia (Family 8, De Tomasi et al. 2017. PubMed ID: 29100091). The c.2252G>A (p.Arg751His) variant is reported in 0.0050% of alleles in individuals of European (non-Finnish) descent in gnomAD. At this time, the clinical significance of this variant is uncertain due to the absence of conclusive functional and genetic evidence.

GeneDx
Classification: Uncertain significance. Last evaluated: 2024-03-22. Review status: criteria provided, single submitter. Criteria: GeneDx Variant Classification Process June 2021. Collection method: clinical testing. Allele origin: germline. Affected: yes.
Comment: In silico analysis supports that this missense variant has a deleterious effect on protein structure/function; This variant is associated with the following publications: (PMID: 29100091, 37124138, 32585897, 37035737, 32378186)

Equipe Genetique des Anomalies du Developpement, Université de Bourgogne
Classification: Likely pathogenic for Renal hypodysplasia/aplasia 3. Last evaluated: 2021-03-08. Review status: criteria provided, single submitter. Criteria: ACMG Guidelines, 2015. Collection method: clinical testing. Allele origin: maternal. Affected: yes.

Equipe Genetique des Anomalies du Developpement, Université de Bourgogne
Classification: Likely pathogenic for Renal cortical hyperechogenicity. Review status: criteria provided, single submitter. Criteria: ACMG Guidelines, 2015. Collection method: clinical testing. Allele origin: maternal. Affected: yes.

Literature cited by the submitters: PubMed 32378186 (cited by Equipe Genetique des Anomalies du Developpement, Université de Bourgogne).

NM_001142966.3(GREB1L):c.2252G>A (p.Arg751His)

Gene: GREB1L (GREB1 like retinoic acid receptor coactivator; plus strand). Cytogenetic location: 18q11.1.
Variant type: single nucleotide variant.
Coding change: c.2252G>A on transcript NM_001142966.3 (MANE Select); coding-DNA position 2252, G replaced by A.
Protein change: p.Arg751His; replaces arginine 751 with histidine.
Molecular consequence: missense variant.
Genome position (GRCh38, 1-based): chr18:21,473,100, G>A. VCF-style: chr18-21473100-G-A. GRCh37 (hg19) VCF-style: chr18-19053061-G-A.
Other names: short protein forms R751H.
Identifiers: ClinVar variation 1172634 (VCV001172634.4), dbSNP rs1343579561, ClinGen allele CA401739469.
Genomic context (GRCh38, chr18:21,473,100, plus strand): 5'-TAGACTTGGGTCTGGAGGAAAATGGGACAGCCCATCAGAGAGCAGAAAAATATGTTGTTC[G>A]TCTAGACAATGAGATTCAAACCAAGTTTGAAGTTTTTATGAGGAGAGTGAAACAGAACCC-3'
Protein context (NP_001136438.1, residues 741-761): AHQRAEKYVV[Arg751His]LDNEIQTKFE